The following is an entry in ClinVar:

ClinVar aggregate classification (germline): Uncertain significance (1 of 4 stars; one submission).

Conditions:
Emery-Dreifuss muscular dystrophy 5, autosomal dominant (EDMD5). Also called: EMERY-DREIFUSS MUSCULAR DYSTROPHY 5. Identifiers: Orphanet 261, MedGen C2751805, MONDO:0013072, OMIM 612999.

Submission:

Labcorp Genetics (formerly Invitae), Labcorp
Classification: Uncertain significance for Emery-Dreifuss muscular dystrophy 5, autosomal dominant. Last evaluated: 2017-03-06. Review status: criteria provided, single submitter. Criteria: Invitae Variant Classification Sherloc (09022015). Collection method: clinical testing. Allele origin: germline.
Comment: In summary, this variant is a novel missense change with uncertain impact on protein function. It has been classified as a Variant of Uncertain Significance. Algorithms developed to predict the effect of missense changes on protein structure and function do not agree on the potential impact of this missense change (SIFT: "Deleterious"; PolyPhen-2: "Probably Damaging"; Align-GVGD: "Class C0"). This variant is not present in population databases (ExAC no frequency) and has not been reported in the literature in individuals with a SYNE2-related disease. This sequence change replaces leucine with proline at codon 6443 of the SYNE2 protein (p.Leu6443Pro). The leucine residue is moderately conserved and there is a moderate physicochemical difference between leucine and proline.

NM_182914.3(SYNE2):c.19328T>C (p.Leu6443Pro)

Gene: SYNE2 (spectrin repeat containing nuclear envelope protein 2; plus strand). Cytogenetic location: 14q23.2.
Variant type: single nucleotide variant.
Coding change: c.19328T>C on transcript NM_182914.3 (MANE Select); coding-DNA position 19328, T replaced by C.
Protein change: p.Leu6443Pro; replaces leucine 6443 with proline.
Molecular consequence: missense variant.
Genome position (GRCh38, 1-based): chr14:64,214,465, T>C. VCF-style: chr14-64214465-T-C. GRCh37 (hg19) VCF-style: chr14-64681183-T-C.
Other names: c.19328T>C, p.Leu6443Pro (NM_015180.6); c.230T>C, p.Leu77Pro (NM_182913.4); short protein forms L6443P, L77P.
Identifiers: ClinVar variation 470959 (VCV000470959.8), dbSNP rs1555551908, ClinGen allele CA389957303.